The following is an entry in ClinVar:

ClinVar aggregate classification (germline): Likely benign (1 of 4 stars; one submission).

Conditions:
Pheochromocytoma/paraganglioma syndrome 3. Also called: GLOMUS TUMORS, FAMILIAL, 3; Paragangliomas 3; SDHC-Related Hereditary Paraganglioma-Pheochromocytoma Syndrome (Paragangliomas 3); SDHC-Related Hereditary Paraganglioma-Pheochromocytoma Syndrome. Identifiers: Orphanet 29072, MedGen C1854336, MONDO:0011544, OMIM 605373.

Submission:

Myriad Genetics, Inc.
Classification: Likely benign for Pheochromocytoma/paraganglioma syndrome 3. Last evaluated: 2025-03-14. Review status: criteria provided, single submitter. Criteria: Myriad Autosomal Dominant, Autosomal Recessive and X-Linked Classification Criteria (2023). Collection method: clinical testing. Allele origin: unknown.
Comment: This variant is considered likely benign. This variant is intronic and is not expected to impact mRNA splicing.

NM_003001.5(SDHC):c.77+8T>G

Gene: SDHC (succinate dehydrogenase complex subunit C; plus strand). Cytogenetic location: 1q23.3.
Variant type: single nucleotide variant.
Coding change: c.77+8T>G on transcript NM_003001.5 (MANE Select); 8 bases into the intron after coding-DNA position 77, T replaced by G.
Molecular consequence: intron variant.
Genome position (GRCh38, 1-based): chr1:161,323,678, T>G. VCF-style: chr1-161323678-T-G. GRCh37 (hg19) VCF-style: chr1-161293468-T-G.
Other names: c.-35+8T>G (NM_001407119.1); c.-153+8T>G (NM_001407120.1); c.77+8T>G (NM_001407115.1, NM_001035511.3, NM_001035512.3 and 2 more transcripts); c.21-4718T>G (NM_001407116.1, NM_001407121.1, NM_001407117.1); c.20+9253T>G (NM_001035513.3).
Identifiers: ClinVar variation 3904660 (VCV003904660.1).